The following is an entry in ClinVar:

ClinVar aggregate classification (germline): Pathogenic (1 of 4 stars; one submission).

Conditions:
Autosomal recessive polycystic kidney disease (ARPKD). Also called: AR polycystic kidney disease. Identifiers: Orphanet 731, Orphanet 8378, MedGen C0085548, MeSH D017044, MONDO:0009889.

Submission:

Labcorp Genetics (formerly Invitae), Labcorp
Classification: Pathogenic for Autosomal recessive polycystic kidney disease. Last evaluated: 2018-08-07. Review status: criteria provided, single submitter. Criteria: Invitae Variant Classification Sherloc (09022015). Collection method: clinical testing. Allele origin: germline.
Comment: For these reasons, this variant has been classified as Pathogenic. Loss-of-function variants in PKHD1 are known to be pathogenic (PMID: 19940839). This variant has not been reported in the literature in individuals with PKHD1-related disease. This variant is an out-of-frame deletion of the genomic region encompassing exons 35-36 of the PKHD1 gene. This is expected to create a premature translational stop signal and result in an absent or disrupted protein product.

Literature cited by the submitters: PubMed 19940839.

NC_000006.12:g.(?_51959860)_(52010469_?)del

Gene: PKHD1 (PKHD1 ciliary IPT domain containing fibrocystin/polyductin; minus strand). Cytogenetic location: 6p12.2.
Variant type: Deletion.
Identifiers: ClinVar variation 653510 (VCV000653510.6).